The following is an entry in ClinVar:

NM_199420.4(POLQ):c.7759G>T (p.Asp2587Tyr)

Gene: POLQ (DNA polymerase theta; minus strand). Cytogenetic location: 3q13.33.
Variant type: single nucleotide variant.
Coding change: c.7759G>T on transcript NM_199420.4 (MANE Select); coding-DNA position 7759, G replaced by T.
Protein change: p.Asp2587Tyr; replaces aspartic acid 2587 with tyrosine.
Molecular consequence: missense variant.
Genome position (GRCh38, 1-based): chr3:121,432,318, C>A on the plus strand (G>T on the coding strand, the complement: POLQ is on the minus strand). VCF-style: chr3-121432318-C-A. GRCh37 (hg19) VCF-style: chr3-121151165-C-A.
Other names: short protein forms D2587Y.
Identifiers: ClinVar variation 3230175 (VCV003230175.1), dbSNP rs2047500790, ClinGen allele CA354092419.

ClinVar aggregate classification (germline): Uncertain significance (1 of 4 stars; one submission).

Submission:

Ambry Genetics
Classification: Uncertain significance. Last evaluated: 2023-09-15. Review status: criteria provided, single submitter. Criteria: Ambry Variant Classification Scheme 2023. Collection method: clinical testing. Allele origin: germline.
Comment: The p.D2587Y variant (also known as c.7759G>T), located in coding exon 30 of the POLQ gene, results from a G to T substitution at nucleotide position 7759. The aspartic acid at codon 2587 is replaced by tyrosine, an amino acid with highly dissimilar properties. This amino acid position is conserved. In addition, the in silico prediction for this alteration is inconclusive. Since supporting evidence is limited at this time, the clinical significance of this alteration remains unclear.